The following is an entry in ClinVar:

ClinVar aggregate classification (germline): Uncertain significance. Review status: criteria provided, multiple submitters, no conflicts (2 of 4 stars). 3 submissions from 3 submitters: Uncertain significance (2). 1 of the submissions does not count toward it. Last evaluated 2021-07-09.

Conditions:
Inborn genetic diseases. Identifiers: MedGen C0950123, MeSH D030342.
FRAS1-related disorder. Also called: FRAS1-related condition.
Fraser syndrome 1 (FRASRS1). Also called: CRYPTOPHTHALMOS WITH OTHER MALFORMATIONS. Identifiers: Orphanet 2052, MedGen C4551480, MONDO:0054737, OMIM 219000.

Allele frequency attached by ClinVar (database versions not stated): gnomAD exomes 0.00003; ExAC 0.00019; 1000 Genomes Project 30x 0.00031; ESP Exome Variant Server 0.00033; gnomAD 0.00035; 1000 Genomes Project 0.00040; TOPMed 0.00046.
gnomAD v4.1: 100 of 1,590,192 alleles (0.0063%); highest among the groups gnomAD compares: African/African-American, 0.12%; no homozygotes.

Submissions (3):

Ambry Genetics
Classification: Uncertain significance for Inborn genetic diseases. Last evaluated: 2021-07-09. Review status: criteria provided, single submitter. Criteria: Ambry Variant Classification Scheme 2023. Collection method: clinical testing. Allele origin: germline.

Revvity Omics, Revvity
Classification: Uncertain significance for Fraser syndrome 1. Last evaluated: 2020-01-29. Review status: criteria provided, single submitter. Criteria: ACMG Guidelines, 2015. Collection method: clinical testing. Allele origin: germline.

PreventionGenetics, part of Exact Sciences
Classification: Uncertain significance for FRAS1-related condition. Last evaluated: 2024-05-31. Review status: no assertion criteria provided. Collection method: clinical testing. Allele origin: germline. Not counted in ClinVar's aggregate classification.
Comment: The FRAS1 c.572C>T variant is predicted to result in the amino acid substitution p.Thr191Ile. To our knowledge, this variant has not been reported in the literature. This variant is reported in 0.13% of alleles in individuals of African descent in gnomAD. Although we suspect that this variant may be benign, at this time, the clinical significance of this variant is uncertain due to the absence of conclusive functional and genetic evidence.

NM_025074.7(FRAS1):c.572C>T (p.Thr191Ile)

Gene: FRAS1 (Fraser extracellular matrix complex subunit 1; plus strand). Cytogenetic location: 4q21.21.
Variant type: single nucleotide variant.
Coding change: c.572C>T on transcript NM_025074.7 (MANE Select); coding-DNA position 572, C replaced by T.
Protein change: p.Thr191Ile; replaces threonine 191 with isoleucine.
Molecular consequence: missense variant.
Genome position (GRCh38, 1-based): chr4:78,255,344, C>T. VCF-style: chr4-78255344-C-T. GRCh37 (hg19) VCF-style: chr4-79176498-C-T.
Other names: c.572C>T, p.Thr191Ile (NM_001166133.2); short protein forms T191I.
Identifiers: ClinVar variation 2348405 (VCV002348405.6), dbSNP rs374819478, ClinGen allele CA2975989.